The following is an entry in ClinVar:

ClinVar aggregate classification (germline): Likely benign. Review status: criteria provided, multiple submitters, no conflicts (2 of 4 stars). 2 submissions from 2 submitters: Likely benign (2). Last evaluated 2026-01-12.

Conditions:
TRPV4-related disorder. Also called: TRPV4-related disorders; TRPV4-related condition.
Charcot-Marie-Tooth disease axonal type 2C (HMSN2C). Also called: CHARCOT-MARIE-TOOTH DISEASE, AXONAL, AUTOSOMAL DOMINANT, TYPE 2C; Charcot-Marie-Tooth Neuropathy Type 2C; Charcot-Marie-Tooth Disease Type 2, TRPV4-Related (CMT2C). Identifiers: Orphanet 99937, MedGen C1853710, MONDO:0011633, OMIM 606071.

Allele frequency attached by ClinVar (database versions not stated): TOPMed 0.00004; gnomAD 0.00001.
gnomAD v4.1: 54 of 1,606,634 alleles (0.0034%); highest among the groups gnomAD compares: Admixed American, 0.069%; no homozygotes.

Submissions (2):

Labcorp Genetics (formerly Invitae), Labcorp
Classification: Likely benign for Charcot-Marie-Tooth disease axonal type 2C. Last evaluated: 2026-01-12. Review status: criteria provided, single submitter. Criteria: Invitae Variant Classification Sherloc (09022015). Collection method: clinical testing. Allele origin: germline.

PreventionGenetics, part of Exact Sciences
Classification: Likely benign for TRPV4-related condition. Last evaluated: 2025-10-15. Review status: criteria provided, single submitter. Criteria: ACMG Guidelines, 2015. Collection method: clinical testing. Allele origin: germline.
Comment: This variant is classified as likely benign based on ACMG/AMP sequence variant interpretation guidelines (Richards et al. 2015 PMID: 25741868, with internal and published modifications).

NM_021625.5(TRPV4):c.1584+1G>A

Gene: TRPV4 (transient receptor potential cation channel subfamily V member 4; minus strand). Cytogenetic location: 12q24.11.
Variant type: single nucleotide variant.
Coding change: c.1584+1G>A on transcript NM_021625.5 (MANE Select); the canonical splice donor site of the intron after coding-DNA position 1584, G replaced by A.
Molecular consequence: splice donor variant.
Genome position (GRCh38, 1-based): chr12:109,793,929, C>T on the plus strand (G>A on the coding strand, the complement: TRPV4 is on the minus strand). VCF-style: chr12-109793929-C-T. GRCh37 (hg19) VCF-style: chr12-110231734-C-T.
Other names: c.1263+1G>A (NM_001177433.1); c.1443+1G>A (NM_001177428.1); c.1404+1G>A (NM_147204.2); c.1482+1G>A (NM_001177431.1).
Identifiers: ClinVar variation 536877 (VCV000536877.14), dbSNP rs775922797, ClinGen allele CA6780181.